The following is an entry in ClinVar:

NM_174936.4(PCSK9):c.154C>T (p.Leu52=)

Gene: PCSK9 (proprotein convertase subtilisin/kexin type 9; plus strand). Cytogenetic location: 1p32.3.
Variant type: single nucleotide variant.
Coding change: c.154C>T on transcript NM_174936.4 (MANE Select); coding-DNA position 154, C replaced by T.
Protein change: p.Leu52=; no amino-acid change (leucine 52 retained).
Molecular consequence: synonymous variant. On other transcripts: 5 prime UTR variant (1), non-coding transcript variant (8).
Genome position (GRCh38, 1-based): chr1:55,039,991, C>T. VCF-style: chr1-55039991-C-T. GRCh37 (hg19) VCF-style: chr1-55505664-C-T.
Other names: c.154C>T, p.Leu52= (NM_001407240.1, NM_001407241.1, NM_001407242.1 and 4 more transcripts); c.-581C>T (NM_001407246.1).
Identifiers: ClinVar variation 3016201 (VCV003016201.4), dbSNP rs1056046410, ClinGen allele CA22792150.

ClinVar aggregate classification (germline): Likely benign. Review status: criteria provided, multiple submitters, no conflicts (2 of 4 stars). 2 submissions from 2 submitters: Likely benign (2). Last evaluated 2023-11-24.

Conditions:
Hypercholesterolemia, autosomal dominant, 3 (FHCL3). Also called: Familial Hypercholesterolemia, Autosomal Dominant, 3; PCSK9-Related Familial Hypercholesterolemia, Autosomal Dominant; Familial hypercholesterolemia 3. Identifiers: MedGen C1863551, MONDO:0011369, OMIM 603776.

Allele frequency attached by ClinVar (database versions not stated): TOPMed below 0.00001.

Submissions (2):

Labcorp Genetics (formerly Invitae), Labcorp
Classification: Likely benign for Hypercholesterolemia, autosomal dominant, 3. Last evaluated: 2023-11-24. Review status: criteria provided, single submitter. Criteria: Invitae Variant Classification Sherloc (09022015). Collection method: clinical testing. Allele origin: germline.

All of Us Research Program, National Institutes of Health
Classification: Likely benign for Hypercholesterolemia, autosomal dominant, 3. Last evaluated: 2023-05-16. Review status: criteria provided, single submitter. Criteria: ACMG Guidelines, 2015. Collection method: clinical testing. Allele origin: germline. Inheritance: Autosomal dominant inheritance. Observed: 1 variant allele, 1 heterozygote.
Comment: This study involves interpretation of variants in research participants for the purpose of population health screening. Participant phenotype was not available at the time of variant classification. Additional details can be found in publication PMID: 35346344, PMCID: PMC8962531